The following is an entry in ClinVar:

NM_133379.5(TTN):c.10559C>T (p.Pro3520Leu)

Gene: TTN (titin; minus strand). Cytogenetic location: 2q31.2.
Variant type: single nucleotide variant.
Coding change: c.10559C>T on transcript NM_133379.5; coding-DNA position 10559, C replaced by T.
Protein change: p.Pro3520Leu; replaces proline 3520 with leucine.
Molecular consequence: missense variant. On other transcripts: intron variant (6).
Genome position (GRCh38, 1-based): chr2:178,751,841, G>A on the plus strand (C>T on the coding strand, the complement: TTN is on the minus strand). VCF-style: chr2-178751841-G-A. GRCh37 (hg19) VCF-style: chr2-179616568-G-A.
Other names: p.P3520L:CCG>CTG; c.10360+1283C>T (NM_001256850.1, NM_133378.4); c.10222+1283C>T (NM_003319.4); c.10798+1283C>T (NM_133437.4); c.10597+1283C>T (NM_133432.3); c.11311+1283C>T (NM_001267550.2); c.10559C>T (NM_133379.4); short protein forms P3520L.
Identifiers: ClinVar variation 47727 (VCV000047727.35), dbSNP rs189445085, ClinGen allele CA141789.

ClinVar aggregate classification (germline): Conflicting classifications of pathogenicity. Review status: criteria provided, conflicting classifications (1 of 4 stars). 8 submissions from 8 submitters: Uncertain significance (3); Likely benign (5). Last evaluated 2026-09-21.

Conditions:
TTN-related disorder. Also called: TTN-related condition; TTN-related disease; TTN-related disorders.
Dilated cardiomyopathy 1G (CMD1G). Identifiers: Orphanet 154, MedGen C1858763, MONDO:0011400, OMIM 604145.
Autosomal recessive limb-girdle muscular dystrophy type 2J (LGMDR10). Also called: Limb-girdle muscular dystrophy, type 2J; MUSCULAR DYSTROPHY, LIMB-GIRDLE, AUTOSOMAL RECESSIVE 10. Identifiers: Orphanet 140922, MedGen C1837342, MONDO:0012127, OMIM 608807.
Myopathy, myofibrillar, 9, with early respiratory failure (MFM9). Also called: Hereditary myopathy with early respiratory failure; Myopathy, distal, with early respiratory failure, autosomal dominant; EDSTROM MYOPATHY; MYOPATHY, PROXIMAL, WITH EARLY RESPIRATORY MUSCLE INVOLVEMENT. Identifiers: Orphanet 178464, Orphanet 34521, MedGen C1863599, MONDO:0011362, OMIM 603689.
Tibial muscular dystrophy (TMD). Also called: Udd Distal Myopathy – Tibial Muscular Dystrophy; Tibial muscular dystrophy, tardive; UDD MYOPATHY. Identifiers: Orphanet 609, MedGen C1838244, MONDO:0010870, OMIM 600334.
Early-onset myopathy with fatal cardiomyopathy (CMYO5). Also called: Salih Myopathy; CONGENITAL MYOPATHY 5 WITH CARDIOMYOPATHY. Identifiers: Orphanet 289377, MedGen C2673677, MONDO:0012714, OMIM 611705. Disease mechanism: loss of function.
Hypertrophic cardiomyopathy 9. Also called: Familial hypertrophic cardiomyopathy 9. Identifiers: MedGen C1861065, MONDO:0013412, OMIM 613765.

Allele frequency attached by ClinVar (database versions not stated): 1000 Genomes Project 30x 0.00016; 1000 Genomes Project 0.00020.
gnomAD v4.1: 120 of 1,612,730 alleles (0.0074%); highest among the groups gnomAD compares: East Asian, 0.042%; 2 homozygotes.

Submissions (8):

Molecular Diagnostic Laboratory for Inherited Cardiovascular Disease, Montreal Heart Institute
Classification: Likely benign. Last evaluated: 2026-09-21. Review status: criteria provided, single submitter. Criteria: ACMG Guidelines, 2015. Collection method: clinical testing. Allele origin: germline. Affected: no.

PreventionGenetics, part of Exact Sciences
Classification: Likely benign for TTN-related condition. Last evaluated: 2026-05-27. Review status: criteria provided, single submitter. Criteria: ACMG Guidelines, 2015. Collection method: clinical testing. Allele origin: germline.
Comment: This variant is classified as likely benign based on ACMG/AMP sequence variant interpretation guidelines (Richards et al. 2015 PMID: 25741868, with internal and published modifications).

ARUP Laboratories, Molecular Genetics and Genomics, ARUP Laboratories
Classification: Uncertain significance. Last evaluated: 2025-04-03. Review status: criteria provided, single submitter. Criteria: ARUP Molecular Germline Variant Investigation Process 2024. Collection method: clinical testing. Allele origin: germline.
Comment: The TTN NM_133379.5 c.10559C>T; p.Pro3520Leu variant (rs189445085; ClinVar Variation ID: 47727) is rare in the general population (<0.2% allele frequency in the Genome Aggregation Database) and has not been reported in the medical literature in association with dilated cardiomyopathy (DCM) or other TTN-related disease. The clinical relevance of rare missense variants in this gene, which are identified on average once per individual sequenced in affected populations (Herman 2012), is not well understood. Yet, evidence suggests that the vast majority of such missense variants do not contribute to the clinical outcome of DCM (Begay 2015). Thus, the clinical significance of the p.Pro3520Leu variant cannot be determined with certainty. Begay RL et al. Role of Titin Missense Variants in Dilated Cardiomyopathy. J Am Heart Assoc. 2015 Nov 13;4(11). PMID: 26567375. Herman DS et al. Truncations of titin causing dilated cardiomyopathy. N Engl J Med. 2012 Feb 16;366(7):619-28. PMID: 22335739. Linke WA and Hamdani N. Gigantic business: titin properties and function through thick and thin. Circ Res 2014; 114(6): 1052-1068. PMID: 24625729.

Blueprint Genetics
Classification: Likely benign. Last evaluated: 2024-11-21. Review status: criteria provided, single submitter. Criteria: ACMG Guidelines, 2015. Collection method: clinical testing. Allele origin: germline.

CeGaT Center for Human Genetics Tuebingen
Classification: Likely benign. Last evaluated: 2023-10-01. Review status: criteria provided, single submitter. Criteria: CeGaT Center For Human Genetics Tuebingen Variant Classification Criteria Version 2. Collection method: clinical testing. Allele origin: germline. Affected: yes. Observed: 1 variant allele.
Comment: TTN: BP4

Department of Pathology and Laboratory Medicine, Sinai Health System
Classification: Uncertain significance for Tibial muscular dystrophy; Myopathy, myofibrillar, 9, with early respiratory failure; Dilated cardiomyopathy 1G; Autosomal recessive limb-girdle muscular dystrophy type 2J; Early-onset myopathy with fatal cardiomyopathy; Hypertrophic cardiomyopathy 9. Last evaluated: 2022-08-22. Review status: criteria provided, single submitter. Criteria: ACMG Guidelines, 2015. Collection method: research. Allele origin: germline.

GeneDx
Classification: Likely benign. Last evaluated: 2021-03-26. Review status: criteria provided, single submitter. Criteria: GeneDx Variant Classification Process June 2021. Collection method: clinical testing. Allele origin: germline. Affected: yes.

Laboratory for Molecular Medicine, Mass General Brigham Personalized Medicine
Classification: Uncertain significance. Last evaluated: 2015-01-09. Review status: criteria provided, single submitter. Criteria: LMM Criteria. Collection method: clinical testing. Allele origin: germline. Observed: 2 variant alleles.
Comment: This variant has also been identified in 8/8706 East Asian chromosome s by the Exome Aggregation Consortium (ExAC; dbS NP rs189445085). Computational prediction tools and conservation analyses sugges t that this variant may impact the protein, though this information is not predi ctive enough to determine pathogenicity. In summary, the clinical significance o f the p.Pro3520Leu variant is uncertain.